The following is an entry in ClinVar:

ClinVar aggregate classification (germline): Uncertain significance. Review status: criteria provided, multiple submitters, no conflicts (2 of 4 stars). 2 submissions from 2 submitters: Uncertain significance (2). Last evaluated 2025-12-15.

Conditions:
Cardiovascular phenotype. Identifiers: MedGen CN230736.

Allele frequency attached by ClinVar (database versions not stated): gnomAD exomes below 0.00001; TOPMed 0.00001.

Submissions (2):

Ambry Genetics
Classification: Uncertain significance for Cardiovascular phenotype. Last evaluated: 2025-12-15. Review status: criteria provided, single submitter. Criteria: Ambry Variant Classification Scheme 2023. Collection method: clinical testing. Allele origin: germline.
Comment: The p.H394R variant (also known as c.1181A>G), located in coding exon 10 of the PTPN11 gene, results from an A to G substitution at nucleotide position 1181. The histidine at codon 394 is replaced by arginine, an amino acid with highly similar properties. This amino acid position is conserved. In addition, the in silico prediction for this alteration is inconclusive. Based on the available evidence, the clinical significance of this variant remains unclear.

GeneDx
Classification: Uncertain significance. Last evaluated: 2022-02-10. Review status: criteria provided, single submitter. Criteria: GeneDx Variant Classification Process June 2021. Collection method: clinical testing. Allele origin: germline. Affected: yes.
Comment: Missense variants in this gene are often considered pathogenic (HGMD); In silico analysis supports that this missense variant does not alter protein structure/function; Has not been previously published as pathogenic or benign to our knowledge; This variant is associated with the following publications: (PMID: 29493581)

NM_002834.5(PTPN11):c.1181A>G (p.His394Arg)

Gene: PTPN11 (protein tyrosine phosphatase non-receptor type 11; plus strand). Cytogenetic location: 12q24.13.
Variant type: single nucleotide variant.
Coding change: c.1181A>G on transcript NM_002834.5 (MANE Select); coding-DNA position 1181, A replaced by G.
Protein change: p.His394Arg; replaces histidine 394 with arginine.
Molecular consequence: missense variant.
Genome position (GRCh38, 1-based): chr12:112,482,162, A>G. VCF-style: chr12-112482162-A-G. GRCh37 (hg19) VCF-style: chr12-112919966-A-G.
Other names: c.1181A>G, p.His394Arg (NM_001330437.2, NM_080601.3); c.1178A>G, p.His393Arg (NM_001374625.1); short protein forms H394R, H393R.
Identifiers: ClinVar variation 452459 (VCV000452459.5), dbSNP rs1415532476, ClinGen allele CA386775906.